The following is an entry in ClinVar:

ClinVar aggregate classification (germline): Uncertain significance (1 of 4 stars; one submission).

Submission:

Labcorp Genetics (formerly Invitae), Labcorp
Classification: Uncertain significance. Last evaluated: 2022-10-25. Review status: criteria provided, single submitter. Criteria: Invitae Variant Classification Sherloc (09022015). Collection method: clinical testing. Allele origin: germline.
Comment: This sequence change replaces glutamic acid, which is acidic and polar, with aspartic acid, which is acidic and polar, at codon 3994 of the HSPG2 protein (p.Glu3994Asp). Information on the frequency of this variant in the gnomAD database is not available, as this variant may be reported differently in the database. This variant has not been reported in the literature in individuals affected with HSPG2-related conditions. ClinVar contains an entry for this variant (Variation ID: 1388682). Experimental studies and prediction algorithms are not available or were not evaluated, and the functional significance of this variant is currently unknown. In summary, the available evidence is currently insufficient to determine the role of this variant in disease. Therefore, it has been classified as a Variant of Uncertain Significance.

NM_005529.7(HSPG2):c.11982_11983delinsTC (p.Glu3994Asp)

Gene: HSPG2 (heparan sulfate proteoglycan 2; minus strand). Cytogenetic location: 1p36.12.
Variant type: Indel.
Coding change: c.11982_11983delinsTC on transcript NM_005529.7 (MANE Select); coding-DNA positions 11982 to 11983, GT replaced by TC.
Protein change: p.Glu3994Asp; replaces glutamic acid 3994 with aspartic acid.
Molecular consequence: missense variant.
Genome position (GRCh38, 1-based): chr1:21,829,392-21,829,393, AC replaced by GA on the plus strand (GT replaced by TC on the coding strand, the reverse complement: HSPG2 is on the minus strand). VCF-style: chr1-21829392-AC-GA. GRCh37 (hg19) VCF-style: chr1-22155885-AC-GA.
Other names: c.11985_11986delinsTC, p.Glu3995Asp (NM_001291860.2); short protein forms E3995D, E3994D.
Identifiers: ClinVar variation 1388682 (VCV001388682.3), dbSNP rs2152690195, ClinGen allele CA2573132165.
Genomic context (GRCh38, chr1:21,829,392, plus strand): 5'-GGGGCACAAGGCTTGGTGTGCAGAGCCCCGCATTTGGTGCTGGGTGCTTACCTGACCCCA[AC>GA]TCATAGCGGAACTCCAGGTGGCCGCCCACCATCGCCAGGGACACGAAGTCCTCCACAGGC-3'
Protein context (NP_005520.4, residues 3984-4004): MVGGHLEFRY[Glu3994Asp]LGSGLAVLRS